The following is an entry in ClinVar:

ClinVar aggregate classification (germline): Conflicting classifications of pathogenicity. Review status: criteria provided, conflicting classifications (1 of 4 stars). 6 submissions from 6 submitters: Pathogenic (3); Likely pathogenic (1); Uncertain significance (1). 1 of the submissions does not count toward it. Last evaluated 2024-11-26.

Conditions:
Spinocerebellar ataxia 48. Identifiers: Orphanet 631103, MedGen C4748158, MONDO:0032526, OMIM 618093.
STUB1-related disorder. Also called: STUB1-related condition.
Autosomal recessive spinocerebellar ataxia 16. Identifiers: Orphanet 412057, MedGen C5190574, MONDO:0014339, OMIM 615768.

Allele frequency attached by ClinVar (database versions not stated): gnomAD exomes below 0.00001.
gnomAD v4.1: 5 of 1,613,086 alleles (0.00031%); highest among the groups gnomAD compares: Non-Finnish European, 0.00042%; no homozygotes.

Submissions (6):

Women's Health and Genetics/Laboratory Corporation of America, LabCorp
Classification: Pathogenic for Autosomal recessive spinocerebellar ataxia 16. Last evaluated: 2024-11-26. Review status: criteria provided, single submitter. Criteria: LabCorp Variant Classification Summary - May 2015. Collection method: clinical testing. Allele origin: germline.
Comment: Variant summary: STUB1 c.737C>T (p.Thr246Met) results in a non-conservative amino acid change located in the U-box domain profile (IPR003613) of the encoded protein sequence. Four of five in-silico tools predict a damaging effect of the variant on protein function. The frequency data for this variant in gnomAD is considered unreliable, as metrics indicate poor data quality at this position. c.737C>T has been reported in the literature in two homozygous individuals in one family affected with Autosomal Recessive Spinocerebellar Ataxia 16 (Shi_2014). this variant has also been detected as heterozygous genotype without a second allele change detected in an individual affected with ataxia and spasticity (Schuermans_2023). These data indicate that the variant is very likely to be associated with disease. Two publicatiosn report experimental evidence evaluating an impact on protein function. The most pronounced variant effect results in reduced steady-state levels and almost completely abolished ubiquitination activity of the protein (Pakdaman_2017, Kanack_2018). The following publications have been ascertained in the context of this evaluation (PMID: 29317501, 28396517, 37152446, 24113144). ClinVar contains an entry for this variant (Variation ID: 127146). Based on the evidence outlined above, the variant was classified as pathogenic.

GeneDx
Classification: Pathogenic. Last evaluated: 2024-02-07. Review status: criteria provided, single submitter. Criteria: GeneDx Variant Classification Process June 2021. Collection method: clinical testing. Allele origin: germline. Affected: yes.
Comment: Published functional studies demonstrate a damaging effect with this variant resulting in a protein with ubiquitin ligase activity deficiency (PMID: 29317501, 30222779); Not observed at significant frequency in large population cohorts (gnomAD); In silico analysis supports that this missense variant has a deleterious effect on protein structure/function; This variant is associated with the following publications: (PMID: 24742043, 24113144, 29317501, 24719489, 28619276, 30222779, 27081508, 28593200, 25258038, 28396517)

Victorian Clinical Genetics Services, Murdoch Childrens Research Institute
Classification: Uncertain significance for Spinocerebellar ataxia 48. Last evaluated: 2023-12-21. Review status: criteria provided, single submitter. Criteria: ACMG Guidelines, 2015. Collection method: clinical testing. Allele origin: germline. Inheritance: Autosomal dominant inheritance. Affected: yes.
Comment: Based on the classification scheme VCGS_Germline_v1.3.4, this variant is classified as VUS-3A. Following criteria are met: 0103 - Dominant negative and loss of function are suggested mechanisms of disease in this gene and are associated with spinocerebellar ataxia 48 (SCA48; MIM#618093) and spinocerebellar ataxia 16 (MIM#615768), respectively (PMID: 34565360). (I) 0108 - This gene is associated with both recessive and dominant disease. Monoallelic variants have been reported to result in SCA48, whereas biallelic variants have been associated with SCA16 (PMID: 34565360). However, it remains unclear why p.(Arg241Trp) and p.(Cys232Gly) have been associated with both phenotypes (PMID: 33417001). (I) 0115 - Variants in this gene are known to have variable expressivity. There is interfamilial and intrafamilial variability with regard to severity and features (PMID: 33417001). (I) 0200 - Variant is predicted to result in a missense amino acid change from threonine to methionine. (I) 0251 - This variant is heterozygous. (I) 0301 - Variant is absent from gnomAD (both v2 and v3). (SP) 0502 - Missense variant with conflicting in silico predictions and uninformative conservation. (I) 0600 - Variant is located in the annotated U box domain (DECIPHER). (I) 0710 - Another missense variant comparable to the one identified in this case has inconclusive previous evidence for pathogenicity. This alternative change, p.(Thr246Pro), has been reported once as a VUS (ClinVar). (I) 0803 - This variant has limited previous evidence of pathogenicity in an unrelated individual. This variant has been reported once as pathogenic, and observed in two homozygous siblings with ataxia, cerebellar ataxia and hypogonadism (PMID: 24113144, ClinVar). (SP) 0906 - Segregation evidence for this variant is inconclusive. This variant has segregated in two affected individuals and was absent in an unaffected sibling. However, this is insufficient evidence to prove pathogenicity (PMID: 24113144). (I) 1002 - This variant has moderate functional evidence supporting abnormal protein function. Transfected COS-7 cells and ubiquitination assays have shown that this variant results in lost autoubiquitination ability, and increased protein degradation (PMID: 24113144, PMID: 28396517). (SP) 1208 - Inheritance information for this variant is not currently available in this individual. (I) Legend: (SP) - Supporting pathogenic, (I) - Information, (SB) - Supporting benign

Blueprint Genetics
Classification: Likely pathogenic for STUB1-related disorders. Last evaluated: 2023-07-14. Review status: criteria provided, single submitter. Criteria: ACMG Guidelines, 2015. Collection method: clinical testing. Allele origin: germline. Affected: yes. Observed: 3 variant alleles.

CeGaT Center for Human Genetics Tuebingen
Classification: Pathogenic. Last evaluated: 2020-04-01. Review status: criteria provided, single submitter. Criteria: CeGaT Center For Human Genetics Tuebingen Variant Classification Criteria Version 2. Collection method: clinical testing. Allele origin: germline. Affected: yes. Observed: 1 variant allele.

OMIM
Classification: Pathogenic for SPINOCEREBELLAR ATAXIA, AUTOSOMAL RECESSIVE 16. Last evaluated: 2014-02-15. Review status: no assertion criteria provided. Collection method: literature only. Allele origin: germline. Not counted in ClinVar's aggregate classification.

Literature cited by the submitters: PubMed 37152446 (cited by Women's Health and Genetics/Laboratory Corporation of America, LabCorp); PubMed 29317501 (cited by Women's Health and Genetics/Laboratory Corporation of America, LabCorp); PubMed 28396517 (cited by Women's Health and Genetics/Laboratory Corporation of America, LabCorp and Victorian Clinical Genetics Services, Murdoch Childrens Research Institute); PubMed 24113144 (cited by 3 submitters); PubMed 33417001 (cited by Victorian Clinical Genetics Services, Murdoch Childrens Research Institute); PubMed 34565360 (cited by Victorian Clinical Genetics Services, Murdoch Childrens Research Institute).

NM_005861.4(STUB1):c.737C>T (p.Thr246Met)

Genes: JMJD8 (jumonji domain containing 8; minus strand), STUB1 (STIP1 homology and U-box containing protein 1; plus strand). Cytogenetic location: 16p13.3.
Variant type: single nucleotide variant.
Coding change: c.737C>T on transcript NM_005861.4 (MANE Select); coding-DNA position 737, C replaced by T.
Protein change: p.Thr246Met; replaces threonine 246 with methionine.
Molecular consequence: missense variant. On other transcripts: 3 prime UTR variant (5), non-coding transcript variant (3).
Genome position (GRCh38, 1-based): chr16:682,232, C>T. VCF-style: chr16-682232-C-T. GRCh37 (hg19) VCF-style: chr16-732232-C-T.
Other names: c.521C>T, p.Thr174Met (NM_001293197.2); c.*562G>A (NM_001005920.4, NM_001323919.3, NM_001323920.3); c.*596G>A (NM_001323918.3, NM_001323922.3); c.737C>T (NM_005861.3, NM_005861.2); short protein forms T246M, T174M.
Identifiers: ClinVar variation 127146 (VCV000127146.47), dbSNP rs587777343, ClinGen allele CA151392.